The following is an entry in ClinVar:

ClinVar aggregate classification (germline): Uncertain significance (1 of 4 stars; one submission).

Conditions:
Dyskeratosis congenita, autosomal dominant 2. Identifiers: MedGen C3151443, MONDO:0013521, OMIM 613989.
Idiopathic Pulmonary Fibrosis. Also called: Idiopathic fibrosing alveolitis, chronic form; idiopathic fibrosing alveolitis. Identifiers: Orphanet 2032, MedGen C1800706, MeSH D054990, MONDO:0800504.

Submission:

Labcorp Genetics (formerly Invitae), Labcorp
Classification: Uncertain significance for Dyskeratosis congenita, autosomal dominant 2; Idiopathic Pulmonary Fibrosis. Last evaluated: 2020-09-07. Review status: criteria provided, single submitter. Criteria: Invitae Variant Classification Sherloc (09022015). Collection method: clinical testing. Allele origin: germline.
Comment: Advanced modeling of protein sequence and biophysical properties (such as structural, functional, and spatial information, amino acid conservation, physicochemical variation, residue mobility, and thermodynamic stability) performed at Invitae indicates that this missense variant is not expected to disrupt TERT protein function. In summary, the available evidence is currently insufficient to determine the role of this variant in disease. Therefore, it has been classified as a Variant of Uncertain Significance. This variant has not been reported in the literature in individuals with TERT-related conditions. This variant is not present in population databases (ExAC no frequency). This sequence change replaces histidine with glutamine at codon 330 of the TERT protein (p.His330Gln). The histidine residue is weakly conserved and there is a small physicochemical difference between histidine and glutamine.

NM_198253.3(TERT):c.990C>A (p.His330Gln)

Gene: TERT (telomerase reverse transcriptase; minus strand). Cytogenetic location: 5p15.33.
Variant type: single nucleotide variant.
Coding change: c.990C>A on transcript NM_198253.3 (MANE Select); coding-DNA position 990, C replaced by A.
Protein change: p.His330Gln; replaces histidine 330 with glutamine.
Molecular consequence: missense variant. On other transcripts: non-coding transcript variant (2).
Genome position (GRCh38, 1-based): chr5:1,293,896, G>T on the plus strand (C>A on the coding strand, the complement: TERT is on the minus strand). VCF-style: chr5-1293896-G-T. GRCh37 (hg19) VCF-style: chr5-1294011-G-T.
Other names: c.990C>A, p.His330Gln (NM_001193376.3); short protein forms H330Q.
Identifiers: ClinVar variation 1058164 (VCV001058164.9), dbSNP rs2126686464, ClinGen allele CA359056008.
Genomic context (GRCh38, chr5:1,293,896, plus strand): 5'-CAGAGAGCTGAGTAGGAAGGAGGGCCGCAGCTGCTCCTTGTCGCCTGAGGAGTAGAGGAA[G>T]TGCTTGGTCTCGGCGTACACCGGGGGACAAGGCGTGTCCCAGGGACGTGGTGGCCGCGAT-3'
Protein context (NP_937983.2, residues 320-340): PCPPVYAETK[His330Gln]FLYSSGDKEQ